The following is an entry in ClinVar:

NM_001852.4(COL9A2):c.519+39del

Gene: COL9A2 (collagen type IX alpha 2 chain; minus strand). Cytogenetic location: 1p34.2.
Variant type: Deletion.
Coding change: c.519+39del on transcript NM_001852.4 (MANE Select); 39 bases into the intron after coding-DNA position 519, one base deleted (G; older notation c.519+39delG).
Molecular consequence: intron variant.
Genome position (GRCh38, 1-based): chr1:40,311,461, C deleted on the plus strand (G on the coding strand, the reverse complement: COL9A2 is on the minus strand); the first of 6 consecutive C bases (chr1:40,311,461-40,311,466); deleting any one gives the same sequence. VCF-style (leftmost placement, unchanged base first): chr1-40311460-GC-G. GRCh37 (hg19) VCF-style: chr1-40777132-GC-G.
Other names: c.519+39delG (NM_001852.3).
Identifiers: ClinVar variation 258390 (VCV000258390.2), dbSNP rs137881116, ClinGen allele CA791877.

ClinVar aggregate classification (germline): Benign/Likely benign. Review status: criteria provided, multiple submitters, no conflicts (2 of 4 stars). 2 submissions from 2 submitters: Benign (1); Likely benign (1). Last evaluated 2018-06-14.

Submissions (2):

GeneDx
Classification: Benign. Last evaluated: 2018-06-14. Review status: criteria provided, single submitter. Criteria: GeneDx Variant Classification (06012015). Collection method: clinical testing. Allele origin: germline. Affected: yes.
Comment: This variant is considered likely benign or benign based on one or more of the following criteria: it is a conservative change, it occurs at a poorly conserved position in the protein, it is predicted to be benign by multiple in silico algorithms, and/or has population frequency not consistent with disease.

PreventionGenetics, part of Exact Sciences
Classification: Likely benign. Review status: criteria provided, single submitter. Criteria: ACMG Guidelines, 2015. Collection method: clinical testing. Allele origin: germline.